The following is an entry in ClinVar:

ClinVar aggregate classification (germline): Uncertain significance (1 of 4 stars; one submission).

Allele frequency attached by ClinVar (database versions not stated): gnomAD 0.00001; gnomAD exomes 0.00001.
gnomAD v4.1: 8 of 1,599,834 alleles (0.0005%); highest among the groups gnomAD compares: Non-Finnish European, 0.00068%; no homozygotes.

Submission:

Labcorp Genetics (formerly Invitae), Labcorp
Classification: Uncertain significance. Last evaluated: 2022-06-27. Review status: criteria provided, single submitter. Criteria: Invitae Variant Classification Sherloc (09022015). Collection method: clinical testing. Allele origin: germline.
Comment: In summary, the available evidence is currently insufficient to determine the role of this variant in disease. Therefore, it has been classified as a Variant of Uncertain Significance. Algorithms developed to predict the effect of missense changes on protein structure and function are either unavailable or do not agree on the potential impact of this missense change (SIFT: "Not Available"; PolyPhen-2: "Benign"; Align-GVGD: "Not Available"). This variant has not been reported in the literature in individuals affected with ATAD1-related conditions. This variant is present in population databases (no rsID available, gnomAD 0.002%). This sequence change replaces valine with alanine at codon 88 of the ATAD1 protein (p.Val88Ala). The valine residue is moderately conserved and there is a small physicochemical difference between valine and alanine.

NM_001321967.2(ATAD1):c.263T>C (p.Val88Ala)

Gene: ATAD1 (ATPase family AAA domain containing 1; minus strand). Cytogenetic location: 10q23.31.
Variant type: single nucleotide variant.
Coding change: c.263T>C on transcript NM_001321967.2 (MANE Select); coding-DNA position 263, T replaced by C.
Protein change: p.Val88Ala; replaces valine 88 with alanine.
Molecular consequence: missense variant. On other transcripts: 5 prime UTR variant (1), non-coding transcript variant (1).
Genome position (GRCh38, 1-based): chr10:87,790,429, A>G on the plus strand (T>C on the coding strand, the complement: ATAD1 is on the minus strand). VCF-style: chr10-87790429-A-G. GRCh37 (hg19) VCF-style: chr10-89550186-A-G.
Other names: c.263T>C, p.Val88Ala (NM_001321968.2, NM_032810.4); c.-185T>C (NM_001321969.2); short protein forms V88A.
Identifiers: ClinVar variation 1466397 (VCV001466397.6), dbSNP rs1330920130, ClinGen allele CA377492154.
Genomic context (GRCh38, chr10:87,790,429, plus strand): 5'-ATGACTGTGTCTTTCAGATCCGTAATGACATCATCTAAACCTGCTATATCACTCCAAGTA[A>G]CCTGGCAAAAGTTAAGGTCAACATGAATTTTACTACAAATGTACACTCACTAAAGTAAAA-3'
Protein context (NP_001308896.1, residues 78-98): AHLVDPLNMH[Val88Ala]TWSDIAGLDD